The following is an entry in ClinVar:

NM_002470.4(MYH3):c.347A>G (p.Tyr116Cys)

Gene: MYH3 (myosin heavy chain 3; minus strand). Cytogenetic location: 17p13.1.
Variant type: single nucleotide variant.
Coding change: c.347A>G on transcript NM_002470.4 (MANE Select); coding-DNA position 347, A replaced by G.
Protein change: p.Tyr116Cys; replaces tyrosine 116 with cysteine.
Molecular consequence: missense variant.
Genome position (GRCh38, 1-based): chr17:10,652,421, T>C on the plus strand (A>G on the coding strand, the complement: MYH3 is on the minus strand). VCF-style: chr17-10652421-T-C. GRCh37 (hg19) VCF-style: chr17-10555738-T-C.
Other names: short protein forms Y116C.
Identifiers: ClinVar variation 891746 (VCV000891746.11), dbSNP rs147024680, ClinGen allele CA8393340.

ClinVar aggregate classification (germline): Conflicting classifications of pathogenicity. Review status: criteria provided, conflicting classifications (1 of 4 stars). 6 submissions from 5 submitters: Uncertain significance (4); Likely benign (1). 1 of the submissions does not count toward it. Last evaluated 2025-11-21.

Conditions:
Freeman-Sheldon syndrome (DA2A). Also called: Arthrogryposis, distal, type 2A (Freeman-Sheldon); WHISTLING FACE-WINDMILL VANE HAND SYNDROME; CRANIOCARPOTARSAL DYSPLASIA; CRANIOCARPOTARSAL DYSTROPHY. Identifiers: Orphanet 2053, MedGen C0265224, MONDO:0008675, OMIM 193700.
Distal arthrogryposis type 2B1 (DA2B1). Also called: Arthrogryposis multiplex congenita distal type II with craniofacial abnormalities. Identifiers: Orphanet 1147, MedGen C5193014, MONDO:0020820, OMIM 601680.
MYH3-related disorder. Also called: MYH3-related condition; MYH3-Related Disorders. Identifiers: MedGen CN239329.
Inborn genetic diseases. Identifiers: MedGen C0950123, MeSH D030342.
Meniere disease. Also called: Ménière's disease. Identifiers: MedGen C0025281, MONDO:0007972, OMIM 156000.

Allele frequency attached by ClinVar (database versions not stated): gnomAD 0.00003 and 0.00004; TOPMed 0.00003; gnomAD exomes 0.00004 and 0.00006; ExAC 0.00006; ESP Exome Variant Server 0.00008.
gnomAD v4.1: 100 of 1,613,828 alleles (0.0062%); highest among the groups gnomAD compares: Non-Finnish European, 0.0078%; no homozygotes.

Submissions (6):

Labcorp Genetics (formerly Invitae), Labcorp
Classification: Uncertain significance. Last evaluated: 2025-11-21. Review status: criteria provided, single submitter. Criteria: Invitae Variant Classification Sherloc (09022015). Collection method: clinical testing. Allele origin: germline.
Comment: This sequence change replaces tyrosine, which is neutral and polar, with cysteine, which is neutral and slightly polar, at codon 116 of the MYH3 protein (p.Tyr116Cys). This variant is present in population databases (rs147024680, gnomAD 0.008%). This variant has not been reported in the literature in individuals affected with MYH3-related conditions. ClinVar contains an entry for this variant (Variation ID: 891746). An algorithm developed to predict the effect of missense changes on protein structure and function (PolyPhen-2) suggests that this variant is likely to be disruptive. Algorithms developed to predict the effect of sequence changes on RNA splicing suggest that this variant may disrupt the consensus splice site. In summary, the available evidence is currently insufficient to determine the role of this variant in disease. Therefore, it has been classified as a Variant of Uncertain Significance.

PreventionGenetics, part of Exact Sciences
Classification: Uncertain significance for MYH3-related condition. Last evaluated: 2025-09-12. Review status: criteria provided, single submitter. Criteria: ACMG Guidelines, 2015. Collection method: clinical testing. Allele origin: germline.
Comment: The MYH3 c.347A>G variant is predicted to result in the amino acid substitution p.Tyr116Cys. To our knowledge, this variant has not been reported in the literature. This variant is reported in 0.0077% of alleles in individuals of European (Non-Finnish) descent in gnomAD. At this time, the clinical significance of this variant is uncertain due to the absence of conclusive functional and genetic evidence.

Ambry Genetics
Classification: Uncertain significance for Inborn genetic diseases. Last evaluated: 2025-08-07. Review status: criteria provided, single submitter. Criteria: Ambry Variant Classification Scheme 2023. Collection method: clinical testing. Allele origin: germline.

Illumina Laboratory Services, Illumina
Classification: Uncertain significance for Distal arthrogryposis type 2B1. Last evaluated: 2018-01-12. Review status: criteria provided, single submitter. Criteria: ICSL Variant Classification Criteria 13 December 2019. Collection method: clinical testing. Allele origin: germline.

Illumina Laboratory Services, Illumina
Classification: Likely benign for Freeman-Sheldon syndrome. Last evaluated: 2018-01-12. Review status: criteria provided, single submitter. Criteria: ICSL Variant Classification Criteria 13 December 2019. Collection method: clinical testing. Allele origin: germline.
Comment: This variant was observed in the ICSL laboratory as part of a predisposition screen in an ostensibly healthy population. It had not been previously curated by ICSL or reported in the Human Gene Mutation Database (HGMD: prior to June 1st, 2018), and was therefore a candidate for classification through an automated scoring system. Utilizing variant allele frequency, disease prevalence and penetrance estimates, and inheritance mode, an automated score was calculated to assess if this variant is too frequent to cause the disease. Based on the score and internal cut-off values, a variant classified as likely benign is not then subjected to further curation. The score for this variant resulted in a classification of likely benign for this disease.

Center for Computational Biology & Bioinformatics, University of California, San Diego
Classification: Uncertain significance for Meniere disease. Last evaluated: 2024-06-03. Review status: no assertion criteria provided. Collection method: research. Allele origin: germline. Affected: yes. Not counted in ClinVar's aggregate classification.